The following is an entry in ClinVar:

ClinVar aggregate classification (germline): Likely benign. Review status: criteria provided, multiple submitters, no conflicts (2 of 4 stars). 3 submissions from 3 submitters: Likely benign (2). 1 of the submissions does not count toward it. Last evaluated 2025-10-02.

Conditions:
UBE3B-related disorder. Also called: UBE3B-related condition.

Allele frequency attached by ClinVar (database versions not stated): TOPMed 0.00018.
gnomAD v4.1: 120 of 1,613,876 alleles (0.0074%); highest among the groups gnomAD compares: Admixed American, 0.035%; 1 homozygote.

Submissions (3):

Labcorp Genetics (formerly Invitae), Labcorp
Classification: Likely benign. Last evaluated: 2025-10-02. Review status: criteria provided, single submitter. Criteria: Invitae Variant Classification Sherloc (09022015). Collection method: clinical testing. Allele origin: germline.

CeGaT Center for Human Genetics Tuebingen
Classification: Likely benign. Last evaluated: 2022-05-01. Review status: criteria provided, single submitter. Criteria: CeGaT Center For Human Genetics Tuebingen Variant Classification Criteria Version 2. Collection method: clinical testing. Allele origin: germline. Affected: yes. Observed: 1 variant allele.
Comment: UBE3B: BP4, BP7

PreventionGenetics, part of Exact Sciences
Classification: Likely benign for UBE3B-related condition. Last evaluated: 2020-01-02. Review status: no assertion criteria provided. Collection method: clinical testing. Allele origin: germline. Not counted in ClinVar's aggregate classification.
Comment: This variant is classified as likely benign based on ACMG/AMP sequence variant interpretation guidelines (Richards et al. 2015 PMID: 25741868, with internal and published modifications).

NM_130466.4(UBE3B):c.2034G>A (p.Pro678=)

Gene: UBE3B (ubiquitin protein ligase E3B; plus strand). Cytogenetic location: 12q24.11.
Variant type: single nucleotide variant.
Coding change: c.2034G>A on transcript NM_130466.4 (MANE Select); coding-DNA position 2034, G replaced by A.
Protein change: p.Pro678=; no amino-acid change (proline 678 retained).
Molecular consequence: synonymous variant.
Genome position (GRCh38, 1-based): chr12:109,516,842, G>A. VCF-style: chr12-109516842-G-A. GRCh37 (hg19) VCF-style: chr12-109954647-G-A.
Other names: c.2034G>A, p.Pro678= (NM_183415.3); c.2034G>A (NM_130466.3).
Identifiers: ClinVar variation 2085176 (VCV002085176.29), dbSNP rs772468185, ClinGen allele CA6778089.